The following is an entry in ClinVar:

ClinVar aggregate classification (germline): Pathogenic (1 of 4 stars; one submission).

Submission:

Labcorp Genetics (formerly Invitae), Labcorp
Classification: Pathogenic. Last evaluated: 2022-04-09. Review status: criteria provided, single submitter. Criteria: Invitae Variant Classification Sherloc (09022015). Collection method: clinical testing. Allele origin: germline.
Comment: For these reasons, this variant has been classified as Pathogenic. This variant has not been reported in the literature in individuals affected with ABCA4-related conditions. This variant is not present in population databases (gnomAD no frequency). This sequence change creates a premature translational stop signal (p.Gly1423Thrfs*4) in the ABCA4 gene. It is expected to result in an absent or disrupted protein product. Loss-of-function variants in ABCA4 are known to be pathogenic (PMID: 10958761, 24938718, 25312043, 26780318).

Literature cited by the submitters: PubMed 10958761; PubMed 24938718; PubMed 25312043; PubMed 26780318.

NM_000350.3(ABCA4):c.4263_4266dup (p.Gly1423fs)

Gene: ABCA4 (ATP binding cassette subfamily A member 4; minus strand). Cytogenetic location: 1p22.1.
Variant type: Duplication.
Coding change: c.4263_4266dup on transcript NM_000350.3 (MANE Select); coding-DNA positions 4263 to 4266, 4 bases duplicated (ACCA; older notation c.4263_4266dupACCA).
Protein change: p.Gly1423fs; shifts the reading frame from glycine 1423.
Molecular consequence: frameshift variant.
Genome position (GRCh38, 1-based): chr1:94,030,514-94,030,517, TGGT duplicated on the plus strand (ACCA on the coding strand, the reverse complement: ABCA4 is on the minus strand); duplicating any 4 consecutive bases within chr1:94,030,514-94,030,518 gives the same sequence; the c. name uses the placement nearest the transcript's 3' end. VCF-style (leftmost placement, unchanged base first): chr1-94030513-C-CTGGT. GRCh37 (hg19) VCF-style: chr1-94496069-C-CTGGT.
Other names: c.4040_4043dup, p.Gly1349Thrfs (NM_001425324.1); short protein forms G1423fs.
Identifiers: ClinVar variation 2123892 (VCV002123892.4), dbSNP rs2523727011, ClinGen allele CA2580063371.